The following is an entry in ClinVar:

NM_015346.4(ZFYVE26):c.1231G>A (p.Ala411Thr)

Gene: ZFYVE26 (zinc finger FYVE-type containing 26; minus strand). Cytogenetic location: 14q24.1.
Variant type: single nucleotide variant.
Coding change: c.1231G>A on transcript NM_015346.4 (MANE Select); coding-DNA position 1231, G replaced by A.
Protein change: p.Ala411Thr; replaces alanine 411 with threonine.
Molecular consequence: missense variant.
Genome position (GRCh38, 1-based): chr14:67,805,257, C>T on the plus strand (G>A on the coding strand, the complement: ZFYVE26 is on the minus strand). VCF-style: chr14-67805257-C-T. GRCh37 (hg19) VCF-style: chr14-68271974-C-T.
Other names: c.1231G>A (NM_015346.3); short protein forms A411T.
Identifiers: ClinVar variation 2057014 (VCV002057014.4), dbSNP rs1443647478, ClinGen allele CA390177110.

ClinVar aggregate classification (germline): Uncertain significance. Review status: criteria provided, multiple submitters, no conflicts (2 of 4 stars). 2 submissions from 2 submitters: Uncertain significance (2). Last evaluated 2026-01-19.

Conditions:
Spastic paraplegia. Identifiers: MedGen C0037772, HP:0001258.
Inborn genetic diseases. Identifiers: MedGen C0950123, MeSH D030342.

Allele frequency attached by ClinVar (database versions not stated): gnomAD 0.00001; gnomAD exomes 0.00001; TOPMed 0.00001.
gnomAD v4.1: 9 of 1,613,994 alleles (0.00056%); highest among the groups gnomAD compares: Admixed American, 0.0017%; no homozygotes.

Submissions (2):

Labcorp Genetics (formerly Invitae), Labcorp
Classification: Uncertain significance for Spastic paraplegia. Last evaluated: 2026-01-19. Review status: criteria provided, single submitter. Criteria: Invitae Variant Classification Sherloc (09022015). Collection method: clinical testing. Allele origin: germline.
Comment: This sequence change replaces alanine, which is neutral and non-polar, with threonine, which is neutral and polar, at codon 411 of the ZFYVE26 protein (p.Ala411Thr). This variant is present in population databases (no rsID available, gnomAD 0.003%). This variant has not been reported in the literature in individuals affected with ZFYVE26-related conditions. ClinVar contains an entry for this variant (Variation ID: 2057014). An algorithm developed to predict the effect of missense changes on protein structure and function outputs the following: PolyPhen-2: "Benign". The threonine amino acid residue is found in multiple mammalian species, which suggests that this missense change does not adversely affect protein function. In summary, the available evidence is currently insufficient to determine the role of this variant in disease. Therefore, it has been classified as a Variant of Uncertain Significance.

Ambry Genetics
Classification: Uncertain significance for Inborn genetic diseases. Last evaluated: 2023-02-23. Review status: criteria provided, single submitter. Criteria: Ambry Variant Classification Scheme 2023. Collection method: clinical testing. Allele origin: germline.